The following is an entry in ClinVar:

NM_000552.5(VWF):c.1432+9C>T

Gene: VWF (von Willebrand factor; minus strand). Cytogenetic location: 12p13.31.
Variant type: single nucleotide variant.
Coding change: c.1432+9C>T on transcript NM_000552.5 (MANE Select); 9 bases into the intron after coding-DNA position 1432, C replaced by T.
Molecular consequence: intron variant.
Genome position (GRCh38, 1-based): chr12:6,064,237, G>A on the plus strand (C>T on the coding strand, the complement: VWF is on the minus strand). VCF-style: chr12-6064237-G-A. GRCh37 (hg19) VCF-style: chr12-6173403-G-A.
Identifiers: ClinVar variation 4532993 (VCV004532993.2).

ClinVar aggregate classification (germline): Conflicting classifications of pathogenicity. Review status: criteria provided, conflicting classifications (1 of 4 stars). 2 submissions from 2 submitters: Uncertain significance (1); Likely benign (1). Last evaluated 2026-08-28.

Conditions:
VWF-related disorder. Also called: VWF-related disorders; VWF-related condition.

gnomAD v4.1: 66 of 1,614,010 alleles (0.0041%); highest among the groups gnomAD compares: South Asian, 0.013%; no homozygotes.

Submissions (2):

PreventionGenetics, part of Exact Sciences
Classification: Likely benign for VWF-related condition. Last evaluated: 2026-08-28. Review status: criteria provided, single submitter. Criteria: ACMG Guidelines, 2015. Collection method: clinical testing. Allele origin: germline.
Comment: This variant is classified as likely benign based on ACMG/AMP sequence variant interpretation guidelines (Richards et al. 2015 PMID: 25741868, with internal and published modifications).

Quest Diagnostics Nichols Institute San Juan Capistrano
Classification: Uncertain significance. Last evaluated: 2025-05-05. Review status: criteria provided, single submitter. Criteria: Quest Diagnostics criteria. Collection method: clinical testing. Allele origin: unknown.
Comment: The VWF c.1432+9C>T variant has not been reported in individuals with VWF-related conditions in the published literature. The frequency of this variant in the general population (Genome Aggregation Database) is uninformative in the assessment of its pathogenicity. Analysis of this variant using software algorithms for the prediction of the effect of nucleotide changes on splicing yielded predictions that this variant does not affect VWF mRNA splicing. Based on the available information, we are unable to determine the clinical significance of this variant.